The following is an entry in ClinVar:

NM_000384.3(APOB):c.7736C>G (p.Ala2579Gly)

Gene: APOB (apolipoprotein B; minus strand). Cytogenetic location: 2p24.1.
Variant type: single nucleotide variant.
Coding change: c.7736C>G on transcript NM_000384.3 (MANE Select); coding-DNA position 7736, C replaced by G.
Protein change: p.Ala2579Gly; replaces alanine 2579 with glycine.
Molecular consequence: missense variant.
Genome position (GRCh38, 1-based): chr2:21,009,132, G>C on the plus strand (C>G on the coding strand, the complement: APOB is on the minus strand). VCF-style: chr2-21009132-G-C. GRCh37 (hg19) VCF-style: chr2-21232004-G-C.
Other names: short protein forms A2579G.
Identifiers: ClinVar variation 1760375 (VCV001760375.2), dbSNP rs2465368184, ClinGen allele CA345996270.

ClinVar aggregate classification (germline): Uncertain significance (1 of 4 stars; one submission).

Conditions:
Cardiovascular phenotype. Identifiers: MedGen CN230736.

Submission:

Ambry Genetics
Classification: Uncertain significance for Cardiovascular phenotype. Last evaluated: 2021-09-10. Review status: criteria provided, single submitter. Criteria: Ambry Variant Classification Scheme 2023. Collection method: clinical testing. Allele origin: germline.
Comment: The p.A2579G variant (also known as c.7736C>G), located in coding exon 26 of the APOB gene, results from a C to G substitution at nucleotide position 7736. The alanine at codon 2579 is replaced by glycine, an amino acid with similar properties. This amino acid position is conserved. In addition, this alteration is predicted to be tolerated by in silico analysis. Since supporting evidence is limited at this time, the clinical significance of this alteration remains unclear.